The following is an entry in ClinVar:

NM_021096.4(CACNA1I):c.4499A>G (p.Asn1500Ser)

Gene: CACNA1I (calcium voltage-gated channel subunit alpha1 I; plus strand). Cytogenetic location: 22q13.1.
Variant type: single nucleotide variant.
Coding change: c.4499A>G on transcript NM_021096.4 (MANE Select); coding-DNA position 4499, A replaced by G.
Protein change: p.Asn1500Ser; replaces asparagine 1500 with serine.
Molecular consequence: missense variant.
Genome position (GRCh38, 1-based): chr22:39,670,914, A>G. VCF-style: chr22-39670914-A-G. GRCh37 (hg19) VCF-style: chr22-40066919-A-G.
Other names: c.4394A>G, p.Asn1465Ser (NM_001003406.2); short protein forms N1465S, N1500S.
Identifiers: ClinVar variation 1492309 (VCV001492309.1), dbSNP rs1935359214, ClinGen allele CA411627374.
Genomic context (GRCh38, chr22:39,670,914, plus strand): 5'-TCCACTCCATGTGCACCAGCCACTACCTGGACATCTTCATCACCTTCATCATCTGCCTCA[A>G]CGTGGTCACCATGTCCCTGGAGCACTACAATCAGCCCACGGTGAGCCCTGGTCTGCCTCC-3'
Protein context (NP_066919.2, residues 1490-1510): DIFITFIICL[Asn1500Ser]VVTMSLEHYN

ClinVar aggregate classification (germline): Uncertain significance (1 of 4 stars; one submission).

Allele frequency attached by ClinVar (database versions not stated): gnomAD exomes below 0.00001.
gnomAD v4.1: 2 of 1,613,806 alleles (0.00012%); highest among the groups gnomAD compares: Non-Finnish European, 0.00017%; no homozygotes.

Submission:

Labcorp Genetics (formerly Invitae), Labcorp
Classification: Uncertain significance. Last evaluated: 2021-12-04. Review status: criteria provided, single submitter. Criteria: Invitae Variant Classification Sherloc (09022015). Collection method: clinical testing. Allele origin: germline.
Comment: This sequence change replaces asparagine, which is neutral and polar, with serine, which is neutral and polar, at codon 1500 of the CACNA1I protein (p.Asn1500Ser). This variant is not present in population databases (gnomAD no frequency). This variant has not been reported in the literature in individuals affected with CACNA1I-related conditions. Algorithms developed to predict the effect of missense changes on protein structure and function are either unavailable or do not agree on the potential impact of this missense change (SIFT: "Deleterious"; PolyPhen-2: "Benign"; Align-GVGD: "Class C45"). Algorithms developed to predict the effect of sequence changes on RNA splicing suggest that this variant may create or strengthen a splice site. In summary, the available evidence is currently insufficient to determine the role of this variant in disease. Therefore, it has been classified as a Variant of Uncertain Significance.